The following is an entry in ClinVar:

ClinVar aggregate classification (germline): Uncertain significance (1 of 4 stars; one submission).

Conditions:
Charcot-Marie-Tooth disease axonal type 2P. Also called: Charcot-Marie-Tooth Neuropathy Type 2G; CHARCOT-MARIE-TOOTH DISEASE, AXONAL, TYPE 2G; CMT 2G; CHARCOT-MARIE-TOOTH NEUROPATHY, TYPE 2P. Identifiers: Orphanet 300319, Orphanet 99941, MedGen C3280797, MONDO:0013753, OMIM 614436.

Allele frequency attached by ClinVar (database versions not stated): gnomAD exomes below 0.00001 and 0.00001; ExAC 0.00001.
gnomAD v4.1: 3 of 1,614,212 alleles (0.00019%); highest among the groups gnomAD compares: Admixed American, 0.0033%; no homozygotes.

Submission:

Labcorp Genetics (formerly Invitae), Labcorp
Classification: Uncertain significance for Charcot-Marie-Tooth disease axonal type 2P. Last evaluated: 2023-06-30. Review status: criteria provided, single submitter. Criteria: Invitae Variant Classification Sherloc (09022015). Collection method: clinical testing. Allele origin: germline.
Comment: In summary, the available evidence is currently insufficient to determine the role of this variant in disease. Therefore, it has been classified as a Variant of Uncertain Significance. Advanced modeling of protein sequence and biophysical properties (such as structural, functional, and spatial information, amino acid conservation, physicochemical variation, residue mobility, and thermodynamic stability) performed at Invitae indicates that this missense variant is not expected to disrupt LRSAM1 protein function. This sequence change replaces methionine, which is neutral and non-polar, with isoleucine, which is neutral and non-polar, at codon 264 of the LRSAM1 protein (p.Met264Ile). This variant is present in population databases (rs773572737, gnomAD 0.003%). This variant has not been reported in the literature in individuals affected with LRSAM1-related conditions. ClinVar contains an entry for this variant (Variation ID: 965834).

NM_001005373.4(LRSAM1):c.792G>A (p.Met264Ile)

Gene: LRSAM1 (leucine rich repeat and sterile alpha motif containing 1; plus strand). Cytogenetic location: 9q33.3.
Variant type: single nucleotide variant.
Coding change: c.792G>A on transcript NM_001005373.4 (MANE Select); coding-DNA position 792, G replaced by A.
Protein change: p.Met264Ile; replaces methionine 264 with isoleucine.
Molecular consequence: missense variant. On other transcripts: initiator codon variant (1), non-coding transcript variant (2).
Genome position (GRCh38, 1-based): chr9:127,479,394, G>A. VCF-style: chr9-127479394-G-A. GRCh37 (hg19) VCF-style: chr9-130241673-G-A.
Other names: c.792G>A, p.Met264Ile (NM_001005374.4, NM_001190723.3, NM_001384142.1 and 2 more transcripts); c.3G>A, p.Met1Ile (NM_001384144.1); short protein forms M264I, M1I.
Identifiers: ClinVar variation 965834 (VCV000965834.10), dbSNP rs773572737, ClinGen allele CA5246711.